The following is an entry in ClinVar:

ClinVar aggregate classification (germline): Conflicting classifications of pathogenicity. Review status: criteria provided, conflicting classifications (1 of 4 stars). 2 submissions from 2 submitters: Uncertain significance (1); Benign (1). Last evaluated 2025-10-23.

Allele frequency attached by ClinVar (database versions not stated): gnomAD 0.00006; gnomAD exomes 0.00006 and 0.00012; TOPMed 0.00006; ExAC 0.00011.
gnomAD v4.1: 106 of 1,613,774 alleles (0.0066%); highest among the groups gnomAD compares: Middle Eastern, 0.033%; no homozygotes.

Submissions (2):

Labcorp Genetics (formerly Invitae), Labcorp
Classification: Benign. Last evaluated: 2025-10-23. Review status: criteria provided, single submitter. Criteria: Invitae Variant Classification Sherloc (09022015). Collection method: clinical testing. Allele origin: germline.

GeneDx
Classification: Uncertain significance. Last evaluated: 2025-06-13. Review status: criteria provided, single submitter. Criteria: GeneDx Variant Classification Process June 2021. Collection method: clinical testing. Allele origin: germline. Affected: yes.
Comment: In silico analysis suggests that this missense variant does not alter protein structure/function; Has not been previously published as pathogenic or benign to our knowledge

NM_183357.3(ADCY5):c.2311G>A (p.Val771Ile)

Gene: ADCY5 (adenylate cyclase 5; minus strand). Cytogenetic location: 3q21.1.
Variant type: single nucleotide variant.
Coding change: c.2311G>A on transcript NM_183357.3 (MANE Select); coding-DNA position 2311, G replaced by A.
Protein change: p.Val771Ile; replaces valine 771 with isoleucine.
Molecular consequence: missense variant.
Genome position (GRCh38, 1-based): chr3:123,318,063, C>T on the plus strand (G>A on the coding strand, the complement: ADCY5 is on the minus strand). VCF-style: chr3-123318063-C-T. GRCh37 (hg19) VCF-style: chr3-123036910-C-T.
Other names: c.1261G>A, p.Val421Ile (NM_001199642.1); c.2311G>A, p.Val771Ile (NM_001378259.1); c.2311G>A (NM_183357.2); short protein forms V421I, V771I.
Identifiers: ClinVar variation 1637413 (VCV001637413.9), dbSNP rs201333022, ClinGen allele CA2577173.
Genomic context (GRCh38, chr3:123,318,063, plus strand): 5'-GGGACGGGGATACTCACTGGGGCACGATGGTGATCTGGACAAAGCAGATGAAGAGGAAGA[C>T]GAGCGAGGCACACGCCACATAGGCACCAAATCGGTCGTCTACCTGCTTGGAGTACTGAGA-3'
Protein context (NP_899200.1, residues 761-781): FGAYVACASL[Val771Ile]FLFICFVQIT